The following is an entry in ClinVar:

NM_002334.4(LRP4):c.1009T>G (p.Cys337Gly)

Gene: LRP4 (LDL receptor related protein 4; minus strand). Cytogenetic location: 11p11.2.
Variant type: single nucleotide variant.
Coding change: c.1009T>G on transcript NM_002334.4 (MANE Select); coding-DNA position 1009, T replaced by G.
Protein change: p.Cys337Gly; replaces cysteine 337 with glycine.
Molecular consequence: missense variant.
Genome position (GRCh38, 1-based): chr11:46,896,249, A>C on the plus strand (T>G on the coding strand, the complement: LRP4 is on the minus strand). VCF-style: chr11-46896249-A-C. GRCh37 (hg19) VCF-style: chr11-46917800-A-C.
Other names: short protein forms C337G.
Identifiers: ClinVar variation 1969816 (VCV001969816.2), dbSNP rs896972689, ClinGen allele CA221649164.

ClinVar aggregate classification (germline): Uncertain significance (1 of 4 stars; one submission).

Conditions:
Sclerosteosis 2 (SOST2). Identifiers: Orphanet 3152, MedGen C3280402, MONDO:0013679, OMIM 614305.
Cenani-Lenz syndactyly syndrome. Also called: SYNDACTYLY, TYPE VII; CENANI SYNDACTYLISM. Identifiers: Orphanet 3258, MedGen C1859309, MONDO:0008931, OMIM 212780.
Congenital myasthenic syndrome 17. Identifiers: Orphanet 590, MedGen C4225377, MONDO:0014578, OMIM 616304.

Allele frequency attached by ClinVar (database versions not stated): gnomAD exomes below 0.00001.
gnomAD v4.1: 2 of 1,614,182 alleles (0.00012%); highest among the groups gnomAD compares: Non-Finnish European, 0.00017%; no homozygotes.

Submission:

Labcorp Genetics (formerly Invitae), Labcorp
Classification: Uncertain significance for Cenani-Lenz syndactyly syndrome; Sclerosteosis 2; Congenital myasthenic syndrome 17. Last evaluated: 2022-08-04. Review status: criteria provided, single submitter. Criteria: Invitae Variant Classification Sherloc (09022015). Collection method: clinical testing. Allele origin: germline.
Comment: This sequence change replaces cysteine, which is neutral and slightly polar, with glycine, which is neutral and non-polar, at codon 337 of the LRP4 protein (p.Cys337Gly). This variant is not present in population databases (gnomAD no frequency). This variant has not been reported in the literature in individuals affected with LRP4-related conditions. Advanced modeling of protein sequence and biophysical properties (such as structural, functional, and spatial information, amino acid conservation, physicochemical variation, residue mobility, and thermodynamic stability) performed at Invitae indicates that this missense variant is expected to disrupt LRP4 protein function. In summary, the available evidence is currently insufficient to determine the role of this variant in disease. Therefore, it has been classified as a Variant of Uncertain Significance.